The following is an entry in ClinVar:

NM_000057.4(BLM):c.2074+7A>G

Gene: BLM (BLM RecQ like helicase; plus strand). Cytogenetic location: 15q26.1.
Variant type: single nucleotide variant.
Coding change: c.2074+7A>G on transcript NM_000057.4 (MANE Select); 7 bases into the intron after coding-DNA position 2074, A replaced by G.
Molecular consequence: intron variant.
Genome position (GRCh38, 1-based): chr15:90,763,164, A>G. VCF-style: chr15-90763164-A-G. GRCh37 (hg19) VCF-style: chr15-91306394-A-G.
Other names: c.2074+7A>G (NM_000057.3, NM_001287246.2, NM_001287247.2); c.949+7A>G (NM_001287248.2).
Identifiers: ClinVar variation 1156317 (VCV001156317.10), dbSNP rs1279559326, ClinGen allele CA619578410.

ClinVar aggregate classification (germline): Conflicting classifications of pathogenicity. Review status: criteria provided, conflicting classifications (1 of 4 stars). 2 submissions from 2 submitters: Uncertain significance (1); Likely benign (1). Last evaluated 2025-03-20.

Conditions:
Bloom syndrome (BLM). Also called: Bloom-Torre-Machacek syndrome. Identifiers: Orphanet 125, MedGen C0005859, MONDO:0008876, OMIM 210900.

Allele frequency attached by ClinVar (database versions not stated): gnomAD exomes below 0.00001 and 0.00001.
gnomAD v4.1: 8 of 1,613,736 alleles (0.0005%); highest among the groups gnomAD compares: South Asian, 0.0088%; no homozygotes.

Submissions (2):

Labcorp Genetics (formerly Invitae), Labcorp
Classification: Likely benign for Bloom syndrome. Last evaluated: 2025-03-20. Review status: criteria provided, single submitter. Criteria: Invitae Variant Classification Sherloc (09022015). Collection method: clinical testing. Allele origin: germline.

Quest Diagnostics Nichols Institute San Juan Capistrano
Classification: Uncertain significance. Last evaluated: 2024-11-17. Review status: criteria provided, single submitter. Criteria: Quest Diagnostics criteria. Collection method: clinical testing. Allele origin: unknown.
Comment: The BLM c.2074+7A>G variant has not been reported in individuals with BLM-related conditions in the published literature. The frequency of this variant in the general population, 0.000004 (1/251164 chromosomes (Genome Aggregation Database)), is uninformative in the assessment of its pathogenicity. Analysis of this variant using software algorithms for the prediction of the effect of nucleotide changes on splicing yielded predictions that this variant does not affect BLM mRNA splicing. Based on the available information, we are unable to determine the clinical significance of this variant.